The following is an entry in ClinVar:

NM_000038.6(APC):c.4736T>C (p.Ile1579Thr)

Gene: APC (APC regulator of WNT signaling pathway; plus strand). Cytogenetic location: 5q22.2.
Variant type: single nucleotide variant.
Coding change: c.4736T>C on transcript NM_000038.6 (MANE Select); coding-DNA position 4736, T replaced by C.
Protein change: p.Ile1579Thr; replaces isoleucine 1579 with threonine.
Molecular consequence: missense variant.
Genome position (GRCh38, 1-based): chr5:112,840,330, T>C. VCF-style: chr5-112840330-T-C. GRCh37 (hg19) VCF-style: chr5-112176027-T-C.
Other names: c.4736T>C, p.Ile1579Thr (NM_001127510.3, NM_001354895.2); c.4682T>C, p.Ile1561Thr (NM_001127511.3); c.4790T>C, p.Ile1597Thr (NM_001354896.2); c.4766T>C, p.Ile1589Thr (NM_001354897.2); c.4661T>C, p.Ile1554Thr (NM_001354898.2); c.4652T>C, p.Ile1551Thr (NM_001354899.2); c.4613T>C, p.Ile1538Thr (NM_001354900.2); c.4559T>C, p.Ile1520Thr (NM_001354901.2); and 5 more; short protein forms I1296T, I1419T, I1453T, I1478T, I1488T, I1520T, I1538T, I1551T.
Identifiers: ClinVar variation 1047925 (VCV001047925.1), dbSNP rs1580651915, ClinGen allele CA16031719.

ClinVar aggregate classification (germline): Uncertain significance (1 of 4 stars; one submission).

Submission:

GeneDx
Classification: Uncertain significance. Last evaluated: 2021-02-15. Review status: criteria provided, single submitter. Criteria: GeneDx Variant Classification (06012015). Collection method: clinical testing. Allele origin: germline. Affected: yes.
Comment: Located in the critical SAMP repeats/axin binding domain (Azzopardi 2008); Not observed in large population cohorts (Lek 2016); In silico analysis supports that this missense variant has a deleterious effect on protein structure/function; Has not been previously published as pathogenic or benign to our knowledge